The following is an entry in ClinVar:

NM_014014.5(SNRNP200):c.1347T>C (p.Ala449=)

Gene: SNRNP200 (small nuclear ribonucleoprotein U5 subunit 200; minus strand). Cytogenetic location: 2q11.2.
Variant type: single nucleotide variant.
Coding change: c.1347T>C on transcript NM_014014.5 (MANE Select); coding-DNA position 1347, T replaced by C.
Protein change: p.Ala449=; no amino-acid change (alanine 449 retained).
Molecular consequence: synonymous variant.
Genome position (GRCh38, 1-based): chr2:96,297,393, A>G on the plus strand (T>C on the coding strand, the complement: SNRNP200 is on the minus strand). VCF-style: chr2-96297393-A-G. GRCh37 (hg19) VCF-style: chr2-96963131-A-G.
Other names: c.1347T>C (NM_014014.4).
Identifiers: ClinVar variation 1555294 (VCV001555294.9), dbSNP rs982955047, ClinGen allele CA52402030.

ClinVar aggregate classification (germline): Likely benign. Review status: criteria provided, multiple submitters, no conflicts (2 of 4 stars). 2 submissions from 2 submitters: Likely benign (2). Last evaluated 2025-08-02.

Conditions:
SNRNP200-related disorder. Also called: SNRNP200-related condition.

Allele frequency attached by ClinVar (database versions not stated): gnomAD exomes below 0.00001; gnomAD 0.00001 and 0.00002; TOPMed 0.00001.
gnomAD v4.1: 7 of 1,613,934 alleles (0.00043%); highest among the groups gnomAD compares: Admixed American, 0.005%; no homozygotes.

Submissions (2):

PreventionGenetics, part of Exact Sciences
Classification: Likely benign for SNRNP200-related condition. Last evaluated: 2025-08-02. Review status: criteria provided, single submitter. Criteria: ACMG Guidelines, 2015. Collection method: clinical testing. Allele origin: germline.
Comment: This variant is classified as likely benign based on ACMG/AMP sequence variant interpretation guidelines (Richards et al. 2015 PMID: 25741868, with internal and published modifications).

Labcorp Genetics (formerly Invitae), Labcorp
Classification: Likely benign. Last evaluated: 2022-01-03. Review status: criteria provided, single submitter. Criteria: Invitae Variant Classification Sherloc (09022015). Collection method: clinical testing. Allele origin: germline.